The following is an entry in ClinVar:

ClinVar aggregate classification (germline): Uncertain significance (0 of 4 stars; one submission).

Submission:

ISCA site 10
Classification: Uncertain significance. Last evaluated: 2018-06-02. Review status: no assertion criteria provided. Collection method: clinical testing. Allele origin: de novo. Affected: yes. Observed: 1 variant allele.
Comment: Since these features are more commonly reported in MSD patients, we concluded that the clinical significance of detected duplication in our case could not be determined, therefore duplication was classified as VUS.

Copy number variation identified through the course of routine clinical cytogenomic testing in postnatal populations, with clinical assertions as classified by the original submitter.

GRCh38/hg38 17q12(chr17:36566143-37808105)x3

Genes: AATF (apoptosis antagonizing transcription factor; plus strand), ACACA (acetyl-CoA carboxylase alpha; minus strand), C17orf78 (chromosome 17 open reading frame 78; plus strand), DDX52 (DExD-box helicase 52; minus strand), DHRS11 (dehydrogenase/reductase 11; plus strand) and 26 more. Cytogenetic location: 17q12.
Variant type: copy number gain.
Change: copy number 3 (three copies instead of two) of chr17:36,566,143-37,808,105 (1.24 Mb, GRCh38 coordinates, 1-based), cytogenetic band 17q12.
Identifiers: ClinVar variation 153059 (VCV000153059.3).